The following is an entry in ClinVar:

NM_000038.6(APC):c.3467A>C (p.Glu1156Ala)

Gene: APC (APC regulator of Wnt signaling pathway; plus strand). Cytogenetic location: 5q22.2.
Variant type: single nucleotide variant.
Coding change: c.3467A>C on transcript NM_000038.6 (MANE Select); coding-DNA position 3467, A replaced by C.
Protein change: p.Glu1156Ala; replaces glutamic acid 1156 with alanine.
Molecular consequence: missense variant. On other transcripts: non-coding transcript variant (2).
Genome position (GRCh38, 1-based): chr5:112,839,061, A>C. VCF-style: chr5-112839061-A-C. GRCh37 (hg19) VCF-style: chr5-112174758-A-C.
Other names: c.3413A>C, p.Glu1138Ala (NM_001127511.3); c.3467A>C, p.Glu1156Ala (NM_001354895.2, NM_001127510.3, NM_001407450.1); c.3521A>C, p.Glu1174Ala (NM_001354896.2, NM_001407447.1, NM_001407448.1 and 1 more transcripts); c.3551A>C, p.Glu1184Ala (NM_001407446.1); c.2618A>C, p.Glu873Ala (NM_001407470.1, NM_001354906.2); c.2315A>C, p.Glu772Ala (NM_001407471.1, NM_001407472.1); c.3497A>C, p.Glu1166Ala (NM_001354897.2); c.3392A>C, p.Glu1131Ala (NM_001354898.2); and 11 more; short protein forms E1055A, E1146A, E1149A, E996A, E1065A, E1131A, E1138A, E1166A.
Identifiers: ClinVar variation 2728348 (VCV002728348.3), dbSNP rs2533500413, ClinGen allele CA16028941.

ClinVar aggregate classification (germline): Uncertain significance (1 of 4 stars; one submission).

Conditions:
Familial adenomatous polyposis 1 (FAP1). Also called: FAMILIAL ADENOMATOUS POLYPOSIS 1, ATTENUATED; POLYPOSIS, ADENOMATOUS INTESTINAL. Identifiers: MedGen C2713442, MONDO:0021056, OMIM 175100. Disease mechanism: loss of function.

Submission:

Labcorp Genetics (formerly Invitae), Labcorp
Classification: Uncertain significance for Familial adenomatous polyposis 1. Last evaluated: 2023-06-25. Review status: criteria provided, single submitter. Criteria: Invitae Variant Classification Sherloc (09022015). Collection method: clinical testing. Allele origin: germline.
Comment: This variant has not been reported in the literature in individuals affected with APC-related conditions. In summary, the available evidence is currently insufficient to determine the role of this variant in disease. Therefore, it has been classified as a Variant of Uncertain Significance. Advanced modeling of protein sequence and biophysical properties (such as structural, functional, and spatial information, amino acid conservation, physicochemical variation, residue mobility, and thermodynamic stability) performed at Invitae indicates that this missense variant is not expected to disrupt APC protein function. This variant is not present in population databases (gnomAD no frequency). This sequence change replaces glutamic acid, which is acidic and polar, with alanine, which is neutral and non-polar, at codon 1156 of the APC protein (p.Glu1156Ala).